The following is an entry in ClinVar:

NM_000059.4(BRCA2):c.990A>C (p.Lys330Asn)

Gene: BRCA2 (BRCA2 DNA repair associated; plus strand). Cytogenetic location: 13q13.1.
Variant type: single nucleotide variant.
Coding change: c.990A>C on transcript NM_000059.4 (MANE Select); coding-DNA position 990, A replaced by C.
Protein change: p.Lys330Asn; replaces lysine 330 with asparagine.
Molecular consequence: missense variant. On other transcripts: non-coding transcript variant (1), intron variant (1).
Genome position (GRCh38, 1-based): chr13:32,332,468, A>C. VCF-style: chr13-32332468-A-C. GRCh37 (hg19) VCF-style: chr13-32906605-A-C.
Other names: c.990A>C, p.Lys330Asn (NM_001406719.1, NM_001406720.1, NM_001406721.1 and 1 more transcripts); c.424+1438A>C (NM_001406722.1); short protein forms K330N.
Identifiers: ClinVar variation 3572375 (VCV003572375.1).
Genomic context (GRCh38, chr13:32,332,468, plus strand): 5'-ATGTTTTTCTAAATGTAGAACAAAAAATCTACAAAAAGTAAGAACTAGCAAGACTAGGAA[A>C]AAAATTTTCCATGAAGCAAACGCTGATGAATGTGAAAAATCTAAAAACCAAGTGAAAGAA-3'
Protein context (NP_000050.3, residues 320-340): LQKVRTSKTR[Lys330Asn]KIFHEANADE

ClinVar aggregate classification (germline): Uncertain significance (1 of 4 stars; one submission).

Submission:

Quest Diagnostics Nichols Institute San Juan Capistrano
Classification: Uncertain significance. Last evaluated: 2024-06-25. Review status: criteria provided, single submitter. Criteria: Quest Diagnostics criteria. Collection method: clinical testing. Allele origin: unknown.
Comment: The BRCA2 c.990A>C (p.Lys330Asn) variant has not been reported in individuals with BRCA2-related conditions in the published literature. It also has not been reported in large, multi-ethnic general populations (Genome Aggregation Database). Analysis of this variant using bioinformatics tools for the prediction of the effect of amino acid changes on protein structure and function yielded conflicting predictions that this variant is benign or damaging. Based on the available information, we are unable to determine the clinical significance of this variant.